The following is an entry in ClinVar:

NM_007294.4(BRCA1):c.3590A>G (p.His1197Arg)

Genes: BRCA1 (BRCA1 DNA repair associated; minus strand), LOC126862571 (BRD4-independent group 4 enhancer GRCh37_chr17:41243136-41244335; plus strand). Cytogenetic location: 17q21.31.
Variant type: single nucleotide variant.
Coding change: c.3590A>G on transcript NM_007294.4 (MANE Select); coding-DNA position 3590, A replaced by G.
Protein change: p.His1197Arg; replaces histidine 1197 with arginine.
Molecular consequence: missense variant. On other transcripts: intron variant (135).
Genome position (GRCh38, 1-based): chr17:43,091,941, T>C on the plus strand (A>G on the coding strand, the complement: BRCA1 is on the minus strand). VCF-style: chr17-43091941-T-C. GRCh37 (hg19) VCF-style: chr17-41243958-T-C.
Other names: c.3377A>G, p.His1126Arg (NM_001407571.1, NM_001407853.1, NM_001407894.1 and 9 more transcripts); c.3590A>G, p.His1197Arg (NM_001407581.1, NM_001407582.1, NM_001407583.1 and 30 more transcripts); c.3587A>G, p.His1196Arg (NM_001407587.1, NM_001407590.1, NM_001407591.1 and 22 more transcripts); c.3581A>G, p.His1194Arg (NM_001407646.1, NM_001407647.1); c.3467A>G, p.His1156Arg (NM_001407648.1, NM_001407664.1, NM_001407665.1 and 19 more transcripts); c.3464A>G, p.His1155Arg (NM_001407649.1, NM_001407670.1, NM_001407671.1 and 11 more transcripts); c.3512A>G, p.His1171Arg (NM_001407653.1, NM_001407654.1, NM_001407655.1 and 4 more transcripts); c.3509A>G, p.His1170Arg (NM_001407659.1, NM_001407660.1, NM_001407661.1 and 1 more transcripts); and 41 more; short protein forms H1197R, H1150R, H1085R, H1130R, H1196R, H1029R, H1070R, H1126R.
Identifiers: ClinVar variation 956510 (VCV000956510.16), dbSNP rs2053559788, ClinGen allele CA10594784.
Genomic context (GRCh38, chr17:43,091,941, plus strand): 5'-GATAAGTTCTCTTCTGAGGACTCTAATTTCTTGGCCCCTCTTCGGTAACCCTGAGCCAAA[T>C]GTGTATGGGTGAAAGGGCTAGGACTCCTGCTAAGCTCTCCTTTCTGGACGCTTTTGCTAA-3'
Protein context (NP_009225.1, residues 1187-1207): SRSPSPFTHT[His1197Arg]LAQGYRRGAK

ClinVar aggregate classification (germline): Conflicting classifications of pathogenicity. Review status: criteria provided, conflicting classifications (1 of 4 stars). 3 submissions from 3 submitters: Uncertain significance (2); Likely benign (1). Last evaluated 2025-11-10.

Conditions:
Hereditary breast ovarian cancer syndrome. Also called: Hereditary breast and ovarian cancer; Hereditary breast and/or ovarian cancer syndrome; Hereditary breast and ovarian cancer syndrome; Hereditary breast and ovarian cancer syndrome (HBOC); Breast and ovarian cancer; BRCA1- and BRCA2-Associated Hereditary Breast and Ovarian Cancer. Identifiers: Orphanet 145, MedGen C0677776, MeSH D061325, MONDO:0003582. Disease mechanism: loss of function.
Hereditary cancer-predisposing syndrome. Also called: Hereditary neoplastic syndrome; Tumor predisposition; Neoplastic Syndromes, Hereditary; Hereditary Cancer Syndrome. Identifiers: Orphanet 140162, MedGen C0027672, MeSH D009386, MONDO:0015356.

Allele frequency attached by ClinVar (database versions not stated): TOPMed below 0.00001.

Submissions (3):

Labcorp Genetics (formerly Invitae), Labcorp
Classification: Uncertain significance for Hereditary breast ovarian cancer syndrome. Last evaluated: 2025-11-10. Review status: criteria provided, single submitter. Criteria: Invitae Variant Classification Sherloc (09022015). Collection method: clinical testing. Allele origin: germline.
Comment: This sequence change replaces histidine, which is basic and polar, with arginine, which is basic and polar, at codon 1197 of the BRCA1 protein (p.His1197Arg). This variant is not present in population databases (gnomAD no frequency). This variant has not been reported in the literature in individuals affected with BRCA1-related conditions. ClinVar contains an entry for this variant (Variation ID: 956510). Invitae Evidence Modeling of protein sequence and biophysical properties (such as structural, functional, and spatial information, amino acid conservation, physicochemical variation, residue mobility, and thermodynamic stability) indicates that this missense variant is not expected to disrupt BRCA1 protein function with a negative predictive value of 80%. In summary, the available evidence is currently insufficient to determine the role of this variant in disease. Therefore, it has been classified as a Variant of Uncertain Significance.

Ambry Genetics
Classification: Uncertain significance for Hereditary cancer-predisposing syndrome. Last evaluated: 2024-11-16. Review status: criteria provided, single submitter. Criteria: Ambry Variant Classification Scheme 2023. Collection method: clinical testing. Allele origin: germline.
Comment: The p.H1197R variant (also known as c.3590A>G), located in coding exon 9 of the BRCA1 gene, results from an A to G substitution at nucleotide position 3590. The histidine at codon 1197 is replaced by arginine, an amino acid with highly similar properties. This variant was detected in a cohort of 1666 individuals with a personal and/or family history of breast/ovarian cancer (Chapman-Davis E et al. J Gen Intern Med, 2021 01;36:35-42). This amino acid position is poorly conserved in available vertebrate species. In addition, this alteration is predicted to be tolerated by in silico analysis. Since supporting evidence is limited at this time, the clinical significance of this alteration remains unclear.

University of Washington Department of Laboratory Medicine, University of Washington
Classification: Likely benign for Hereditary cancer-predisposing syndrome. Last evaluated: 2023-03-23. Review status: criteria provided, single submitter. Criteria: Dines et al. (Genet Med. 2020). Collection method: curation. Allele origin: germline.
Comment: Missense variant in a coldspot region where missense variants are very unlikely to be pathogenic (PMID:31911673).

BRCA1 coldspot (exon 11 using historical exon numbering). Reclassification based on statistical prior probability

Literature cited by the submitters: PubMed 32720237 (cited by Ambry Genetics).